The following is an entry in ClinVar:

ClinVar aggregate classification (germline): Conflicting classifications of pathogenicity. Review status: criteria provided, conflicting classifications (1 of 4 stars). 4 submissions from 4 submitters: Uncertain significance (2); Likely benign (2). Last evaluated 2023-02-24.

Conditions:
Collagen 6-related myopathy. Identifiers: MedGen CN117976, MONDO:0100225.
Bethlem myopathy 1A. Also called: Bethlem myopathy 1; MYOPATHY, BENIGN CONGENITAL, WITH CONTRACTURES; Bethlem Muscular Dystrophy. Identifiers: Orphanet 610, MedGen CN029274, MONDO:0024530, OMIM 158810.

Allele frequency attached by ClinVar (database versions not stated): gnomAD 0.00001; gnomAD exomes 0.00001 and 0.00002; ExAC 0.00002; TOPMed 0.00002.
gnomAD v4.1: 33 of 1,614,070 alleles (0.002%); highest among the groups gnomAD compares: Non-Finnish European, 0.0026%; no homozygotes.

Submissions (4):

Labcorp Genetics (formerly Invitae), Labcorp
Classification: Uncertain significance for Bethlem myopathy 1A. Last evaluated: 2023-02-24. Review status: criteria provided, single submitter. Criteria: Invitae Variant Classification Sherloc (09022015). Collection method: clinical testing. Allele origin: germline.
Comment: In summary, the available evidence is currently insufficient to determine the role of this variant in disease. Therefore, it has been classified as a Variant of Uncertain Significance. Advanced modeling of protein sequence and biophysical properties (such as structural, functional, and spatial information, amino acid conservation, physicochemical variation, residue mobility, and thermodynamic stability) performed at Invitae indicates that this missense variant is not expected to disrupt COL6A3 protein function. ClinVar contains an entry for this variant (Variation ID: 259297). This variant has not been reported in the literature in individuals affected with COL6A3-related conditions. This variant is present in population databases (rs760380736, gnomAD 0.003%). This sequence change replaces glutamic acid, which is acidic and polar, with lysine, which is basic and polar, at codon 892 of the COL6A3 protein (p.Glu892Lys).

Illumina Laboratory Services, Illumina
Classification: Likely benign for Collagen VI-related myopathy. Last evaluated: 2018-01-13. Review status: criteria provided, single submitter. Criteria: ICSL Variant Classification Criteria 13 December 2019. Collection method: clinical testing. Allele origin: germline.
Comment: This variant was observed in the ICSL laboratory as part of a predisposition screen in an ostensibly healthy population. It had not been previously curated by ICSL or reported in the Human Gene Mutation Database (HGMD: prior to June 1st, 2018), and was therefore a candidate for classification through an automated scoring system. Utilizing variant allele frequency, disease prevalence and penetrance estimates, and inheritance mode, an automated score was calculated to assess if this variant is too frequent to cause the disease. Based on the score and internal cut-off values, a variant classified as likely benign is not then subjected to further curation. The score for this variant resulted in a classification of likely benign for this disease.

Eurofins Ntd Llc (ga)
Classification: Uncertain significance. Last evaluated: 2015-09-05. Review status: criteria provided, single submitter. Criteria: EGL Classification Definitions 2015. Collection method: clinical testing. Allele origin: germline. Observed: 2 variant alleles, 2 heterozygotes.

PreventionGenetics, part of Exact Sciences
Classification: Likely benign. Review status: criteria provided, single submitter. Criteria: ACMG Guidelines, 2015. Collection method: clinical testing. Allele origin: germline.

NM_004369.4(COL6A3):c.2674G>A (p.Glu892Lys)

Gene: COL6A3 (collagen type VI alpha 3 chain; minus strand). Cytogenetic location: 2q37.3.
Variant type: single nucleotide variant.
Coding change: c.2674G>A on transcript NM_004369.4 (MANE Select); coding-DNA position 2674, G replaced by A.
Protein change: p.Glu892Lys; replaces glutamic acid 892 with lysine.
Molecular consequence: missense variant.
Genome position (GRCh38, 1-based): chr2:237,377,168, C>T on the plus strand (G>A on the coding strand, the complement: COL6A3 is on the minus strand). VCF-style: chr2-237377168-C-T. GRCh37 (hg19) VCF-style: chr2-238285811-C-T.
Other names: c.1453G>A, p.Glu485Lys (NM_057164.5); c.2056G>A, p.Glu686Lys (NM_057165.5, NM_057167.4); c.853G>A, p.Glu285Lys (NM_057166.5); short protein forms E892K, E285K, E686K, E485K.
Identifiers: ClinVar variation 259297 (VCV000259297.17), dbSNP rs760380736, ClinGen allele CA2189345.